The following is an entry in ClinVar:

ClinVar aggregate classification (germline): Uncertain significance (1 of 4 stars; one submission).

Allele frequency attached by ClinVar (database versions not stated): gnomAD exomes 0.00001; TOPMed 0.00004.

Submission:

Labcorp Genetics (formerly Invitae), Labcorp
Classification: Uncertain significance. Last evaluated: 2022-04-25. Review status: criteria provided, single submitter. Criteria: Invitae Variant Classification Sherloc (09022015). Collection method: clinical testing. Allele origin: germline.
Comment: This sequence change replaces serine, which is neutral and polar, with asparagine, which is neutral and polar, at codon 2369 of the VPS13D protein (p.Ser2369Asn). This variant is present in population databases (rs566472843, gnomAD 0.01%). This variant has not been reported in the literature in individuals affected with VPS13D-related conditions. Algorithms developed to predict the effect of missense changes on protein structure and function are either unavailable or do not agree on the potential impact of this missense change (SIFT: "Not Available"; PolyPhen-2: "Possibly Damaging"; Align-GVGD: "Not Available"). In summary, the available evidence is currently insufficient to determine the role of this variant in disease. Therefore, it has been classified as a Variant of Uncertain Significance.

NM_015378.4(VPS13D):c.7106G>A (p.Ser2369Asn)

Gene: VPS13D (vacuolar protein sorting 13 homolog D; plus strand). Cytogenetic location: 1p36.22.
Variant type: single nucleotide variant.
Coding change: c.7106G>A on transcript NM_015378.4 (MANE Select); coding-DNA position 7106, G replaced by A.
Protein change: p.Ser2369Asn; replaces serine 2369 with asparagine.
Molecular consequence: missense variant.
Genome position (GRCh38, 1-based): chr1:12,314,285, G>A. VCF-style: chr1-12314285-G-A. GRCh37 (hg19) VCF-style: chr1-12374342-G-A.
Other names: c.7106G>A, p.Ser2369Asn (NM_018156.4); short protein forms S2369N.
Identifiers: ClinVar variation 1918410 (VCV001918410.3), dbSNP rs566472843, ClinGen allele CA602755.
Genomic context (GRCh38, chr1:12,314,285, plus strand): 5'-AGAAGACCAGCCCTGGCATGACGAATGTGTTCAGCTGTATCTTTCAGCCCGCTAAGAACA[G>A]CAGCACCACCCAAGGGTCCATTCAGATTGAACTACATTTCAGGTAGCAGGTCCAGACCCT-3'
Protein context (NP_056193.2, residues 2359-2379): FSCIFQPAKN[Ser2369Asn]STTQGSIQIE